The following is an entry in ClinVar:

NM_018075.5(ANO10):c.1186dup (p.Tyr396fs)

Gene: ANO10 (anoctamin 10; minus strand). Cytogenetic location: 3p22.1.
Variant type: Duplication.
Coding change: c.1186dup on transcript NM_018075.5 (MANE Select); coding-DNA position 1186, one base duplicated (T; older notation c.1186dupT).
Protein change: p.Tyr396fs; shifts the reading frame from tyrosine 396.
Molecular consequence: frameshift variant.
Genome position (GRCh38, 1-based): chr3:43,574,841, A duplicated on the plus strand (T on the coding strand, the reverse complement: ANO10 is on the minus strand). VCF-style (leftmost placement, unchanged base first): chr3-43574840-T-TA. GRCh37 (hg19) VCF-style: chr3-43616332-T-TA.
Other names: c.1186dup, p.Tyr396fs (NM_001204831.3, NM_001346463.2, NM_001346464.2 and 3 more transcripts); c.988dup, p.Tyr330fs (NM_001204832.3, NM_001346466.2, NM_001346469.2); c.853dup, p.Tyr285fs (NM_001204833.3); c.616dup, p.Tyr206fs (NM_001204834.3); short protein forms Y206fs, Y285fs, Y330fs, Y396fs.
Identifiers: ClinVar variation 5016121 (VCV005016121.1).
Genomic context (GRCh38, chr3:43,574,840, plus strand): 5'-ATGGATTTGTACATAAACGCTGTACTTACCACTAAAACTTTCAGAATTAGATGGTTCTGA[T>TA]AGGCAGATTCCAATCTGTGATTCTCTAAAACATTAAAACACACAGGTAACTTCTCAGTAA-3'

ClinVar aggregate classification (germline): Pathogenic (1 of 4 stars; one submission).

Conditions:
Autosomal recessive spinocerebellar ataxia 10. Identifiers: Orphanet 284289, MedGen C3150998, MONDO:0013392, OMIM 613728.

Submission:

Myriad Genetics, Inc.
Classification: Pathogenic for Autosomal recessive spinocerebellar ataxia 10. Last evaluated: 2026-07-12. Review status: criteria provided, single submitter. Criteria: Myriad Autosomal Dominant, Autosomal Recessive and X-Linked Classification Criteria (2023). Collection method: clinical testing. Allele origin: unknown.
Comment: NM_018075.3(ANO10):c.1186dupT(Y396Lfs*80) is expected to be pathogenic in the context of spinocerebellar ataxia, ANO10-related. This variant is predicted to lead to an abnormal or absent protein product due to the creation of a premature termination codon in ANO10, a gene where loss-of-function variants are known to be pathogenic. Please note: this variant was assessed in the context of healthy population screening.